The following is an entry in ClinVar:

NM_052947.4(ALPK2):c.136T>C (p.Tyr46His)

Gene: ALPK2 (alpha kinase 2; minus strand). Cytogenetic location: 18q21.32.
Variant type: single nucleotide variant.
Coding change: c.136T>C on transcript NM_052947.4 (MANE Select); coding-DNA position 136, T replaced by C.
Protein change: p.Tyr46His; replaces tyrosine 46 with histidine.
Molecular consequence: missense variant.
Genome position (GRCh38, 1-based): chr18:58,607,413, A>G on the plus strand (T>C on the coding strand, the complement: ALPK2 is on the minus strand). VCF-style: chr18-58607413-A-G. GRCh37 (hg19) VCF-style: chr18-56274645-A-G.
Other names: short protein forms Y46H.
Identifiers: ClinVar variation 2450884 (VCV002450884.2), dbSNP rs759564147, ClinGen allele CA300913648.

ClinVar aggregate classification (germline): Uncertain significance (1 of 4 stars; one submission).

Allele frequency attached by ClinVar (database versions not stated): gnomAD 0.00001; gnomAD exomes 0.00001; TOPMed 0.00001.
gnomAD v4.1: 23 of 1,613,136 alleles (0.0014%); highest among the groups gnomAD compares: Non-Finnish European, 0.0019%; no homozygotes.

Submission:

Ambry Genetics
Classification: Uncertain significance. Last evaluated: 2022-11-25. Review status: criteria provided, single submitter. Criteria: Ambry Variant Classification Scheme 2023. Collection method: clinical testing. Allele origin: germline.
Comment: The p.Y46H variant (also known as c.136T>C), located in coding exon 2 of the ALPK2 gene, results from a T to C substitution at nucleotide position 136. The tyrosine at codon 46 is replaced by histidine, an amino acid with similar properties. This amino acid position is conserved. In addition, this alteration is predicted to be tolerated by in silico analysis. Since supporting evidence is limited at this time, the clinical significance of this alteration remains unclear.